The following is an entry in ClinVar:

NM_012309.5(SHANK2):c.4742C>T (p.Ala1581Val)

Gene: SHANK2 (SH3 and multiple ankyrin repeat domains 2; minus strand). Cytogenetic location: 11q13.3.
Variant type: single nucleotide variant.
Coding change: c.4742C>T on transcript NM_012309.5 (MANE Select); coding-DNA position 4742, C replaced by T.
Protein change: p.Ala1581Val; replaces alanine 1581 with valine.
Molecular consequence: missense variant.
Genome position (GRCh38, 1-based): chr11:70,485,551, G>A on the plus strand (C>T on the coding strand, the complement: SHANK2 is on the minus strand). VCF-style: chr11-70485551-G-A. GRCh37 (hg19) VCF-style: chr11-70331656-G-A.
Other names: c.3605C>T, p.Ala1202Val (NM_001379226.1); c.2978C>T, p.Ala993Val (NM_133266.5); short protein forms A1202V, A1581V, A993V.
Identifiers: ClinVar variation 3361692 (VCV003361692.1).
Genomic context (GRCh38, chr11:70,485,551, plus strand): 5'-GTCCTTGGCTGGAGAACCTTGGCCATCCCAGGCTGGGCACTGCCCGGCGGGGGCGGGGGA[G>A]CGGGCGGGGGGATAACAAAGCTATCTACATCTTCTTCCACGAGCGCGTCTTGATAAAGTG-3'
Protein context (NP_036441.2, residues 1571-1591): DVDSFVIPPP[Ala1581Val]PPPPPGSAQP

ClinVar aggregate classification (germline): Uncertain significance (1 of 4 stars; one submission).

gnomAD v4.1: 1 of 1,612,876 alleles (0.000062%); highest among the groups gnomAD compares: Non-Finnish European, 0.000085%; no homozygotes.

Submission:

GeneDx
Classification: Uncertain significance. Last evaluated: 2023-08-01. Review status: criteria provided, single submitter. Criteria: GeneDx Variant Classification Process June 2021. Collection method: clinical testing. Allele origin: germline. Affected: yes.
Comment: Not observed at significant frequency in large population cohorts (gnomAD); In silico analysis supports that this missense variant does not alter protein structure/function; Has not been previously published as pathogenic or benign to our knowledge